The following is an entry in ClinVar:

NM_018062.4(FANCL):c.471+2T>C

Gene: FANCL (FA complementation group L; minus strand). Cytogenetic location: 2p16.1.
Variant type: single nucleotide variant.
Coding change: c.471+2T>C on transcript NM_018062.4 (MANE Select); the canonical splice donor site of the intron after coding-DNA position 471, T replaced by C.
Molecular consequence: splice donor variant.
Genome position (GRCh38, 1-based): chr2:58,204,128, A>G on the plus strand (T>C on the coding strand, the complement: FANCL is on the minus strand). VCF-style: chr2-58204128-A-G. GRCh37 (hg19) VCF-style: chr2-58431263-A-G.
Other names: c.471+2T>C (NM_001374615.1, NM_001114636.2, NM_001410792.1).
Identifiers: ClinVar variation 2711693 (VCV002711693.4), dbSNP rs2467183138, ClinGen allele CA347034005.
Genomic context (GRCh38, chr2:58,204,128, plus strand): 5'-TTCACAGAGTTCATTTCACAAAGTATTTTCTGATCACAATAACAGTTTAACGAGGCACAT[A>G]CCTTTGCCTTCAACTTGAGAGTGATTAAATGCTCTCTACCAGAAGCATCTTCTGCTTTTA-3'

ClinVar aggregate classification (germline): Likely pathogenic. Review status: criteria provided, multiple submitters, no conflicts (2 of 4 stars). 2 submissions from 2 submitters: Likely pathogenic (2). Last evaluated 2024-03-22.

Conditions:
Fanconi anemia (FA). Also called: Fanconi's anemia. Identifiers: Orphanet 84, MedGen C0015625, MeSH D005199, MONDO:0019391.
Fanconi anemia complementation group L (FANCL). Also called: FANCL-Related Fanconi Anemia. Identifiers: Orphanet 84, MedGen C3469528, MONDO:0013566, OMIM 614083.

Submissions (2):

Baylor Genetics
Classification: Likely pathogenic for Fanconi anemia complementation group L. Last evaluated: 2024-03-22. Review status: criteria provided, single submitter. Criteria: ACMG Guidelines, 2015. Collection method: clinical testing. Allele origin: unknown.

Labcorp Genetics (formerly Invitae), Labcorp
Classification: Likely pathogenic for Fanconi anemia. Last evaluated: 2023-06-11. Review status: criteria provided, single submitter. Criteria: Invitae Variant Classification Sherloc (09022015). Collection method: clinical testing. Allele origin: germline.
Comment: In summary, the currently available evidence indicates that the variant is pathogenic, but additional data are needed to prove that conclusively. Therefore, this variant has been classified as Likely Pathogenic. Algorithms developed to predict the effect of sequence changes on RNA splicing suggest that this variant may disrupt the consensus splice site. This variant has not been reported in the literature in individuals affected with FANCL-related conditions. This variant is not present in population databases (gnomAD no frequency). This sequence change affects a donor splice site in intron 6 of the FANCL gene. It is expected to disrupt RNA splicing. Variants that disrupt the donor or acceptor splice site typically lead to a loss of protein function (PMID: 16199547), and loss-of-function variants in FANCL are known to be pathogenic (PMID: 19405097, 23613520).

Literature cited by the submitters: PubMed 16199547 (cited by Labcorp Genetics (formerly Invitae), Labcorp); PubMed 19405097 (cited by Labcorp Genetics (formerly Invitae), Labcorp); PubMed 23613520 (cited by Labcorp Genetics (formerly Invitae), Labcorp).